The following is an entry in ClinVar:

NM_006546.4(IGF2BP1):c.1078-4C>T

Gene: IGF2BP1 (insulin like growth factor 2 mRNA binding protein 1; plus strand). Cytogenetic location: 17q21.32.
Variant type: single nucleotide variant.
Coding change: c.1078-4C>T on transcript NM_006546.4 (MANE Select); 4 bases into the intron before coding-DNA position 1078, C replaced by T.
Molecular consequence: intron variant.
Genome position (GRCh38, 1-based): chr17:49,043,424, C>T. VCF-style: chr17-49043424-C-T. GRCh37 (hg19) VCF-style: chr17-47120786-C-T.
Other names: c.661-4C>T (NM_001160423.2).
Identifiers: ClinVar variation 4083576 (VCV004083576.8).
Genomic context (GRCh38, chr17:49,043,424, plus strand): 5'-CGGGGGTCACACACAAGCCCCTGTCAGGGTGTGCTGACTCTTCCTCCTCATCTTTCTTCC[C>T]CAGCTGCAGTCTCACCTGATCCCTGGCCTGAACCTGGCTGCTGTAGGTCTTTTCCCAGCT-3'

ClinVar aggregate classification (germline): Likely benign (1 of 4 stars; one submission).

gnomAD v4.1: 4,666 of 1,613,730 alleles (0.29%); highest among the groups gnomAD compares: Non-Finnish European, 0.35%; 13 homozygotes.

Submission:

CeGaT Center for Human Genetics Tuebingen
Classification: Likely benign. Last evaluated: 2025-06-01. Review status: criteria provided, single submitter. Criteria: CeGaT Center For Human Genetics Tuebingen Variant Classification Criteria Version 2. Collection method: clinical testing. Allele origin: germline. Affected: yes. Observed: 1 variant allele.
Comment: IGF2BP1: BP4, BS2